The following is an entry in ClinVar:

ClinVar aggregate classification (germline): Pathogenic/Likely pathogenic. Review status: criteria provided, multiple submitters, no conflicts (2 of 4 stars). 5 submissions from 5 submitters: Pathogenic (3); Likely pathogenic (2). Last evaluated 2024-02-07.

Conditions:
Mitochondrial DNA depletion syndrome 1. Also called: POLIP SYNDROME; POLYNEUROPATHY, OPHTHALMOPLEGIA, LEUKOENCEPHALOPATHY, AND INTESTINAL PSEUDOOBSTRUCTION; Mitochondrial DNA depletion syndrome 1 (MNGIE type); Mitochondrial DNA Depletion Syndrome, MNGIE Form; Mitochondrial neurogastrointestinal encephalomyopathy syndrome; Mitochondrial Neurogastrointestinal Encephalopathy Disease. Identifiers: Orphanet 298, MedGen C4551995, MONDO:0011283, OMIM 603041.

Allele frequency attached by ClinVar (database versions not stated): gnomAD exomes below 0.00001; gnomAD 0.00001.

Submissions (5):

Fulgent Genetics
Classification: Likely pathogenic for Mitochondrial DNA depletion syndrome 1. Last evaluated: 2024-02-07. Review status: criteria provided, single submitter. Criteria: ACMG Guidelines, 2015. Collection method: clinical testing. Allele origin: germline.

Palindrome, Gene Kavoshgaran Aria
Classification: Pathogenic for Mitochondrial DNA depletion syndrome 1. Last evaluated: 2023-06-07. Review status: criteria provided, single submitter. Criteria: ACMG Guidelines, 2015. Collection method: clinical testing. Allele origin: germline. Inheritance: Autosomal recessive inheritance. Affected: yes. Observed: 1 homozygote.

Labcorp Genetics (formerly Invitae), Labcorp
Classification: Pathogenic. Last evaluated: 2023-05-01. Review status: criteria provided, single submitter. Criteria: Invitae Variant Classification Sherloc (09022015). Collection method: clinical testing. Allele origin: germline.
Comment: This sequence change creates a premature translational stop signal (p.Arg79*) in the TYMP gene. It is expected to result in an absent or disrupted protein product. Loss-of-function variants in TYMP are known to be pathogenic (PMID: 9924029, 15781193). This variant is not present in population databases (gnomAD no frequency). This variant has not been reported in the literature in individuals affected with TYMP-related conditions. ClinVar contains an entry for this variant (Variation ID: 1456105). For these reasons, this variant has been classified as Pathogenic.

Kariminejad - Najmabadi Pathology & Genetics Center
Classification: Pathogenic for Mitochondrial DNA depletion syndrome 1. Last evaluated: 2022-08-09. Review status: criteria provided, single submitter. Criteria: ACMG Guidelines, 2015. Collection method: clinical testing. Allele origin: germline. Inheritance: Autosomal recessive inheritance. Affected: yes.
Comment: (PM2, PVS1, PP5, PP4)

Baylor Genetics
Classification: Likely pathogenic for Mitochondrial DNA depletion syndrome 1. Last evaluated: 2021-04-06. Review status: criteria provided, single submitter. Criteria: ACMG Guidelines, 2015. Collection method: clinical testing. Allele origin: unknown.

Literature cited by the submitters: PubMed 9924029 (cited by Labcorp Genetics (formerly Invitae), Labcorp); PubMed 15781193 (cited by Labcorp Genetics (formerly Invitae), Labcorp).

NM_001953.5(TYMP):c.235C>T (p.Arg79Ter)

Genes: TYMP (thymidine phosphorylase; minus strand), LOC130067864 (ATAC-STARR-seq lymphoblastoid active region 19325; plus strand). Cytogenetic location: 22q13.33.
Variant type: single nucleotide variant.
Coding change: c.235C>T on transcript NM_001953.5 (MANE Select); coding-DNA position 235, C replaced by T.
Protein change: p.Arg79Ter; replaces arginine 79 with a stop codon.
Molecular consequence: nonsense.
Genome position (GRCh38, 1-based): chr22:50,529,318, G>A on the plus strand (C>T on the coding strand, the complement: TYMP is on the minus strand). VCF-style: chr22-50529318-G-A. GRCh37 (hg19) VCF-style: chr22-50967747-G-A.
Other names: c.235C>T, p.Arg79Ter (NM_001113755.3, NM_001113756.3, NM_001257988.1 and 1 more transcripts); short protein forms R79*.
Identifiers: ClinVar variation 1456105 (VCV001456105.9), dbSNP rs2069504242, ClinGen allele CA412202321.
Genomic context (GRCh38, chr22:50,529,318, plus strand): 5'-CCGACTGAGCCAGGGCCTGGGTCAGCACCGAGGTCTCCTCCAGATCCATGCCCCGAAGTC[G>A]GATGGCCATCAGCATGGCCCCTGGTATGTGGGGGTACGCGTGAGGGTGGCAGCCCACAGC-3'